The following is an entry in ClinVar:

ClinVar aggregate classification (germline): Uncertain significance (1 of 4 stars; one submission).

Conditions:
Familial thoracic aortic aneurysm and aortic dissection (TAAD). Also called: Thoracic aortic aneurysms and dissections. Identifiers: Orphanet 91387, MedGen C4707243, MONDO:0019625.

Allele frequency attached by ClinVar (database versions not stated): gnomAD exomes below 0.00001.
gnomAD v4.1: 1 of 1,614,154 alleles (0.000062%); highest among the groups gnomAD compares: Non-Finnish European, 0.000085%; no homozygotes.

Submission:

Labcorp Genetics (formerly Invitae), Labcorp
Classification: Uncertain significance for Familial thoracic aortic aneurysm and aortic dissection. Last evaluated: 2019-06-22. Review status: criteria provided, single submitter. Criteria: Invitae Variant Classification Sherloc (09022015). Collection method: clinical testing. Allele origin: germline.
Comment: This sequence change replaces tyrosine with asparagine at codon 127 of the SMAD3 protein (p.Tyr127Asn). The tyrosine residue is highly conserved and there is a large physicochemical difference between tyrosine and asparagine. This variant is not present in population databases (ExAC no frequency). Algorithms developed to predict the effect of missense changes on protein structure and function are either unavailable or do not agree on the potential impact of this missense change (SIFT: "Not Available"; PolyPhen-2: "Probably Damaging"; Align-GVGD: "Not Available"). In summary, the available evidence is currently insufficient to determine the role of this variant in disease. Therefore, it has been classified as a Variant of Uncertain Significance.

NM_005902.4(SMAD3):c.379T>A (p.Tyr127Asn)

Gene: SMAD3 (SMAD family member 3; plus strand). Cytogenetic location: 15q22.33.
Variant type: single nucleotide variant.
Coding change: c.379T>A on transcript NM_005902.4 (MANE Select); coding-DNA position 379, T replaced by A.
Protein change: p.Tyr127Asn; replaces tyrosine 127 with asparagine.
Molecular consequence: missense variant.
Genome position (GRCh38, 1-based): chr15:67,165,067, T>A. VCF-style: chr15-67165067-T-A. GRCh37 (hg19) VCF-style: chr15-67457405-T-A.
Other names: c.64T>A, p.Tyr22Asn (NM_001145102.2); c.247T>A, p.Tyr83Asn (NM_001145103.2); short protein forms Y22N, Y83N, Y127N.
Identifiers: ClinVar variation 938505 (VCV000938505.8), dbSNP rs1962541191, ClinGen allele CA392954167.
Genomic context (GRCh38, chr15:67,165,067, plus strand): 5'-GAGCTGTGTGAGTTCGCCTTCAATATGAAGAAGGACGAGGTCTGCGTGAATCCCTACCAC[T>A]ACCAGAGAGTAGAGACACCAGGTATGCTGCCTGGCCTGCCTGTGGGGACAGCAGGTGCCA-3'
Protein context (NP_005893.1, residues 117-137): KDEVCVNPYH[Tyr127Asn]QRVETPVLPP